The following is an entry in ClinVar:

ClinVar aggregate classification (germline): Uncertain significance. Review status: criteria provided, multiple submitters, no conflicts (2 of 4 stars). 2 submissions from 2 submitters: Uncertain significance (2). Last evaluated 2024-06-06.

Conditions:
Mucopolysaccharidosis, MPS-IV-A (MPS4A). Also called: Mucopolysaccharidosis type IV A; Mucopolysaccharidosis Type IVA; Morquio syndrome A, mild; MORQUIO SYNDROME A; MPS IVA; mucopolysaccharidosis type 4A. Identifiers: Orphanet 309297, Orphanet 582, MedGen C0086651, MONDO:0009659, OMIM 253000.

Allele frequency attached by ClinVar (database versions not stated): gnomAD exomes below 0.00001.
gnomAD v4.1: 4 of 1,614,014 alleles (0.00025%); highest among the groups gnomAD compares: South Asian, 0.0044%; no homozygotes.

Submissions (2):

Women's Health and Genetics/Laboratory Corporation of America, LabCorp
Classification: Uncertain significance. Last evaluated: 2024-06-06. Review status: criteria provided, single submitter. Criteria: LabCorp Variant Classification Summary - May 2015. Collection method: clinical testing. Allele origin: germline.
Comment: Variant summary: GALNS c.676T>C (p.Phe226Leu) results in a non-conservative amino acid change located in the sulfatase, N-terminal domain (IPR000917) of the encoded protein sequence. Four of five in-silico tools predict a damaging effect of the variant on protein function. The variant allele was found at a frequency of 4e-06 in 251332 control chromosomes (gnomAD). The available data on variant occurrences in the general population are insufficient to allow any conclusion about variant significance. c.676T>C has been reported in the literature in two compound heterozygous individuals affected with mucopolysaccharidosis Type IVA (Morquio Syndrome A) with <10% of normal GALNS activity in leukocytes; however, in both individuals the variant was also presumed to be in cis with another variant (Cozma_2015). As a result, this report does not provide unequivocal conclusions about association of the variant with Mucopolysaccharidosis Type IVA (Morquio Syndrome A). To our knowledge, no experimental evidence demonstrating an impact on protein function has been reported. The following publication has been ascertained in the context of this evaluation (PMID: 26147980). ClinVar contains an entry for this variant (Variation ID: 1048472). Based on the evidence outlined above, the variant was classified as uncertain significance.

Laboratory of Diagnosis and Therapy of Lysosomal Disorders, University of Padova
Classification: Uncertain significance for Mucopolysaccharidosis, MPS-IV-A. Last evaluated: 2021-02-01. Review status: criteria provided, single submitter. Criteria: ACMG Guidelines, 2015. Collection method: curation. Allele origin: germline. Affected: yes.
Comment: The prevalence of the variant in affected individuals is significantly increased compared with the prevalence in controls (PS4_moderate); very low frequency in gnomAD v2.1.1 (PM2_moderate); multiple lines of computational evidence support a deleterious effect on the gene (PP3_supporting)

Literature cited by the submitters: PubMed 26147980 (cited by Women's Health and Genetics/Laboratory Corporation of America, LabCorp and Laboratory of Diagnosis and Therapy of Lysosomal Disorders, University of Padova); PubMed 34387910 (cited by Laboratory of Diagnosis and Therapy of Lysosomal Disorders, University of Padova).

NM_000512.5(GALNS):c.676T>C (p.Phe226Leu)

Gene: GALNS (galactosamine (N-acetyl)-6-sulfatase; minus strand). Cytogenetic location: 16q24.3.
Variant type: single nucleotide variant.
Coding change: c.676T>C on transcript NM_000512.5 (MANE Select); coding-DNA position 676, T replaced by C.
Protein change: p.Phe226Leu; replaces phenylalanine 226 with leucine.
Molecular consequence: missense variant.
Genome position (GRCh38, 1-based): chr16:88,835,807, A>G on the plus strand (T>C on the coding strand, the complement: GALNS is on the minus strand). VCF-style: chr16-88835807-A-G. GRCh37 (hg19) VCF-style: chr16-88902215-A-G.
Other names: c.121T>C, p.Phe41Leu (NM_001323543.2); c.694T>C, p.Phe232Leu (NM_001323544.2); short protein forms F226L, F232L, F41L.
Identifiers: ClinVar variation 1048472 (VCV001048472.4), dbSNP rs1375452799, ClinGen allele CA397080508.
Genomic context (GRCh38, chr16:88,835,807, plus strand): 5'-AGAAGGGTTTGGAGGCATAGACGGGTGCGTGCGTGGCGTCGACAGCCCAGTAGAGGAAAA[A>G]GGGGTGGTGCCGTGCCTGTCTCTTAATGAAGTCCAGGGCTTCCTATGGAGAGAGCCACAC-3'
Protein context (NP_000503.1, residues 216-236): FIKRQARHHP[Phe226Leu]FLYWAVDATH